The following is an entry in ClinVar:

NM_001365999.1(SZT2):c.7037C>G (p.Ser2346Cys)

Gene: SZT2 (SZT2 subunit of KICSTOR complex; plus strand). Cytogenetic location: 1p34.2.
Variant type: single nucleotide variant.
Coding change: c.7037C>G on transcript NM_001365999.1 (MANE Select); coding-DNA position 7037, C replaced by G.
Protein change: p.Ser2346Cys; replaces serine 2346 with cysteine.
Molecular consequence: missense variant.
Genome position (GRCh38, 1-based): chr1:43,439,764, C>G. VCF-style: chr1-43439764-C-G. GRCh37 (hg19) VCF-style: chr1-43905435-C-G.
Other names: c.6866C>G, p.Ser2289Cys (NM_015284.4); short protein forms S2289C, S2346C.
Identifiers: ClinVar variation 1011275 (VCV001011275.8), dbSNP rs771174830, ClinGen allele CA340033046.

ClinVar aggregate classification (germline): Uncertain significance. Review status: criteria provided, multiple submitters, no conflicts (2 of 4 stars). 3 submissions from 3 submitters: Uncertain significance (3). Last evaluated 2023-04-11.

Conditions:
Developmental and epileptic encephalopathy, 18 (DEE18). Also called: Early infantile epileptic encephalopathy 18. Identifiers: Orphanet 369894, MedGen C3809624, MONDO:0014201, OMIM 615476.
Inborn genetic diseases. Identifiers: MedGen C0950123, MeSH D030342.

Allele frequency attached by ClinVar (database versions not stated): TOPMed below 0.00001.
gnomAD v4.1: 4 of 1,587,476 alleles (0.00025%); highest among the groups gnomAD compares: Non-Finnish European, 0.00034%; no homozygotes.

Submissions (3):

Genome-Nilou Lab
Classification: Uncertain significance for Developmental and epileptic encephalopathy, 18. Last evaluated: 2023-04-11. Review status: criteria provided, single submitter. Criteria: ACMG Guidelines, 2015. Collection method: clinical testing. Allele origin: germline. Affected: no.

Labcorp Genetics (formerly Invitae), Labcorp
Classification: Uncertain significance. Last evaluated: 2021-08-26. Review status: criteria provided, single submitter. Criteria: Invitae Variant Classification Sherloc (09022015). Collection method: clinical testing. Allele origin: germline.
Comment: This sequence change replaces serine with cysteine at codon 2289 of the SZT2 protein (p.Ser2289Cys). The serine residue is highly conserved and there is a moderate physicochemical difference between serine and cysteine. This variant is not present in population databases (ExAC no frequency). This variant has not been reported in the literature in individuals affected with SZT2-related conditions. Algorithms developed to predict the effect of missense changes on protein structure and function output the following: SIFT: "Tolerated"; PolyPhen-2: "Benign"; Align-GVGD: "Class C0". The cysteine amino acid residue is found in multiple mammalian species, which suggests that this missense change does not adversely affect protein function. In summary, the available evidence is currently insufficient to determine the role of this variant in disease. Therefore, it has been classified as a Variant of Uncertain Significance.

Ambry Genetics
Classification: Uncertain significance for Inborn genetic diseases. Last evaluated: 2018-01-23. Review status: criteria provided, single submitter. Criteria: Ambry Variant Classification Scheme 2023. Collection method: clinical testing. Allele origin: germline.
Comment: The p.S2289C variant (also known as c.6866C>G), located in coding exon 49 of the SZT2 gene, results from a C to G substitution at nucleotide position 6866. The serine at codon 2289 is replaced by cysteine, an amino acid with dissimilar properties. This amino acid position is not well conserved in available vertebrate species. In addition, this alteration is predicted to be tolerated by in silico analysis. Since supporting evidence is limited at this time, the clinical significance of this alteration remains unclear.